The following is an entry in ClinVar:

ClinVar aggregate classification (germline): Conflicting classifications of pathogenicity. Review status: criteria provided, conflicting classifications (1 of 4 stars). 5 submissions from 5 submitters: Likely pathogenic (1); Uncertain significance (4). Last evaluated 2026-09-01.

Conditions:
Intellectual developmental disorder, autosomal dominant 29. Also called: SETBP1 Haploinsufficiency Disorder; Intellectual disability, autosomal dominant 29. Identifiers: Orphanet 436151, MedGen C4015141, MONDO:0014482, OMIM 616078.
Schinzel-Giedion syndrome (SGS). Identifiers: Orphanet 798, MedGen C0265227, MONDO:0010010, OMIM 269150.

Allele frequency attached by ClinVar (database versions not stated): gnomAD 0.00001; TOPMed 0.00001; gnomAD exomes below 0.00001.
gnomAD v4.1: 6 of 1,614,012 alleles (0.00037%); highest among the groups gnomAD compares: East Asian, 0.0022%; no homozygotes.

Submissions (5):

CeGaT Center for Human Genetics Tuebingen
Classification: Uncertain significance. Last evaluated: 2026-09-01. Review status: criteria provided, single submitter. Criteria: CeGaT Center For Human Genetics Tuebingen Variant Classification Criteria Version 2. Collection method: clinical testing. Allele origin: germline. Affected: yes. Observed: 1 variant allele.
Comment: SETBP1: PP3

OLLIN Analises Genomicas, OLLIN
Classification: Uncertain significance for Intellectual developmental disorder, autosomal dominant 29. Last evaluated: 2026-08-06. Review status: criteria provided, single submitter. Criteria: ACMG Guidelines 2015 PMID 25741868. Collection method: clinical testing. Allele origin: germline. Inheritance: Autosomal dominant inheritance.
Comment: This missense variant, located in exon 4 (of 6), has been reported in ClinVar (accession VCV001802629.3) and in gnomAD with an allele frequency of 0.00037%. However, to our knowledge, it has not been reported in the scientific literature. In silico analysis is inconclusive regarding the impact of this variant. According to the currently available evidence, this variant has been classified as uncertain significance (BS2).

Women's Health and Genetics/Laboratory Corporation of America, LabCorp
Classification: Uncertain significance. Last evaluated: 2024-07-31. Review status: criteria provided, single submitter. Criteria: LabCorp Variant Classification Summary - May 2015. Collection method: clinical testing. Allele origin: germline.
Comment: Variant summary: SETBP1 c.2984C>T (p.Pro995Leu) results in a non-conservative amino acid change in the encoded protein sequence. Four of five in-silico tools predict a damaging effect of the variant on protein function. The variant was absent in 251394 control chromosomes (gnomAD). The available data on variant occurrences in the general population are insufficient to allow any conclusion about variant significance. c.2984C>T has been reported in the literature in at least an individual affected with autism spectrum disorder (example: Fu_2022). These report(s) do not provide unequivocal conclusions about association of the variant with SETBP1-Related Disorders. To our knowledge, no experimental evidence demonstrating an impact on protein function has been reported. The following publication have been ascertained in the context of this evaluation (PMID: 35982160). ClinVar contains an entry for this variant (Variation ID: 1802629). Based on the evidence outlined above, the variant was classified as uncertain significance.

Laboratory of Medical Genetics, University of Torino
Classification: Likely pathogenic for Intellectual developmental disorder, autosomal dominant 29. Last evaluated: 2022-11-29. Review status: criteria provided, single submitter. Criteria: ACMG Guidelines, 2015. Collection method: research. Allele origin: germline. Affected: yes. Study: NeuroWES.

Neuberg Centre For Genomic Medicine, NCGM
Classification: Uncertain significance for Schinzel-Giedion syndrome. Review status: criteria provided, single submitter. Criteria: ACMG Guidelines, 2015. Collection method: clinical testing. Allele origin: germline. Inheritance: Autosomal dominant inheritance. Affected: yes.
Comment: The missense c.2984C>T (p.Pro995Leu) variant in the SETBP1 gene has not been reported previously as a pathogenic variant nor as a benign variant, to our knowledge. The variant is absent in gnomAD Exomes and 1000 Genomes. This variant has been reported to the ClinVar database as Likely Pathogenic. However, no details are available for independent assessment. The amino acid Proline at position 995 is changed to a Leucine changing protein sequence and it might alter its composition and physico-chemical properties. The amino acid change p.Pro995Leu in SETBP1 is predicted as conserved by GERP++ and PhyloP across 100 vertebrates. For these reasons, this variant has been classified as Uncertain Significance.

Literature cited by the submitters: PubMed 35982160 (cited by Women's Health and Genetics/Laboratory Corporation of America, LabCorp).

NM_015559.3(SETBP1):c.2984C>T (p.Pro995Leu)

Gene: SETBP1 (SET binding protein 1; plus strand). Cytogenetic location: 18q12.3.
Variant type: single nucleotide variant.
Coding change: c.2984C>T on transcript NM_015559.3 (MANE Select); coding-DNA position 2984, C replaced by T.
Protein change: p.Pro995Leu; replaces proline 995 with leucine.
Molecular consequence: missense variant.
Genome position (GRCh38, 1-based): chr18:44,952,324, C>T. VCF-style: chr18-44952324-C-T. GRCh37 (hg19) VCF-style: chr18-42532289-C-T.
Other names: c.2984C>T, p.Pro995Leu (NM_001379141.1, NM_001379142.1, NM_001410862.1); short protein forms P995L.
Identifiers: ClinVar variation 1802629 (VCV001802629.5), dbSNP rs1013272556, ClinGen allele CA299699007.